The following is an entry in ClinVar:

ClinVar aggregate classification (germline): Conflicting classifications of pathogenicity. Review status: criteria provided, conflicting classifications (1 of 4 stars). 2 submissions from 2 submitters: Uncertain significance (1); Likely benign (1). Last evaluated 2026-07-01.

Allele frequency attached by ClinVar (database versions not stated): ExAC 0.00048; gnomAD 0.00056; ESP Exome Variant Server 0.00108.

Submissions (2):

CeGaT Center for Human Genetics Tuebingen
Classification: Likely benign. Last evaluated: 2026-07-01. Review status: criteria provided, single submitter. Criteria: CeGaT Center For Human Genetics Tuebingen Variant Classification Criteria Version 2. Collection method: clinical testing. Allele origin: germline. Affected: yes. Observed: 2 variant alleles.
Comment: SEC24C: BS2

Ambry Genetics
Classification: Uncertain significance. Last evaluated: 2021-08-23. Review status: criteria provided, single submitter. Criteria: Ambry Variant Classification Scheme 2023. Collection method: clinical testing. Allele origin: germline.

NM_198597.3(SEC24C):c.439G>A (p.Gly147Ser)

Gene: SEC24C (SEC24 homolog C, COPII component; plus strand). Cytogenetic location: 10q22.2.
Variant type: single nucleotide variant.
Coding change: c.439G>A on transcript NM_198597.3 (MANE Select); coding-DNA position 439, G replaced by A.
Protein change: p.Gly147Ser; replaces glycine 147 with serine.
Molecular consequence: missense variant.
Genome position (GRCh38, 1-based): chr10:73,759,752, G>A. VCF-style: chr10-73759752-G-A. GRCh37 (hg19) VCF-style: chr10-75519510-G-A.
Other names: c.439G>A, p.Gly147Ser (NM_004922.4); short protein forms G147S.
Identifiers: ClinVar variation 2380866 (VCV002380866.12), dbSNP rs143287549, ClinGen allele CA5558101.
Genomic context (GRCh38, chr10:73,759,752, plus strand): 5'-TATGGCCCTCCCCCGACAAGTGCACAGGTGGCTACGCAGCTGTCTGGAATGCAGATCAGC[G>A]GTGCTGTGGCCCCAGCCCCTCCTTCTTCAGGGCTGGGCTTTGGTGAGTGGCTGTGAACAC-3'
Protein context (NP_940999.1, residues 137-157): ATQLSGMQIS[Gly147Ser]AVAPAPPSSG